The following is an entry in ClinVar:

NM_004385.5(VCAN):c.4657A>G (p.Ile1553Val)

Genes: VCAN (versican; plus strand), VCAN-AS1 (VCAN antisense RNA 1; minus strand). Cytogenetic location: 5q14.3.
Variant type: single nucleotide variant.
Coding change: c.4657A>G on transcript NM_004385.5 (MANE Select); coding-DNA position 4657, A replaced by G.
Protein change: p.Ile1553Val; replaces isoleucine 1553 with valine.
Molecular consequence: missense variant. On other transcripts: intron variant (2).
Genome position (GRCh38, 1-based): chr5:83,537,660, A>G. VCF-style: chr5-83537660-A-G. GRCh37 (hg19) VCF-style: chr5-82833479-A-G.
Other names: c.1696A>G, p.Ile566Val (NM_001164097.2); c.4004-7877A>G (NM_001164098.2); c.1043-7877A>G (NM_001126336.3); short protein forms I566V, I1553V.
Identifiers: ClinVar variation 2110735 (VCV002110735.4), dbSNP rs2479104795, ClinGen allele CA360308723.

ClinVar aggregate classification (germline): Uncertain significance (1 of 4 stars; one submission).

Allele frequency attached by ClinVar (database versions not stated): gnomAD exomes below 0.00001.
gnomAD v4.1: 2 of 1,613,892 alleles (0.00012%); highest among the groups gnomAD compares: Non-Finnish European, 0.000085%; no homozygotes.

Submission:

Labcorp Genetics (formerly Invitae), Labcorp
Classification: Uncertain significance. Last evaluated: 2022-03-13. Review status: criteria provided, single submitter. Criteria: Invitae Variant Classification Sherloc (09022015). Collection method: clinical testing. Allele origin: germline.
Comment: This variant is not present in population databases (gnomAD no frequency). In summary, the available evidence is currently insufficient to determine the role of this variant in disease. Therefore, it has been classified as a Variant of Uncertain Significance. Algorithms developed to predict the effect of missense changes on protein structure and function output the following: SIFT: "Tolerated"; PolyPhen-2: "Benign"; Align-GVGD: "Class C0". The valine amino acid residue is found in multiple mammalian species, which suggests that this missense change does not adversely affect protein function. This variant has not been reported in the literature in individuals affected with VCAN-related conditions. This sequence change replaces isoleucine, which is neutral and non-polar, with valine, which is neutral and non-polar, at codon 1553 of the VCAN protein (p.Ile1553Val).